The following is an entry in ClinVar:

ClinVar aggregate classification (germline): Uncertain significance. Review status: criteria provided, multiple submitters, no conflicts (2 of 4 stars). 2 submissions from 2 submitters: Uncertain significance (2). Last evaluated 2025-08-31.

Conditions:
Inborn genetic diseases. Identifiers: MedGen C0950123, MeSH D030342.

Allele frequency attached by ClinVar (database versions not stated): ExAC 0.00001; gnomAD exomes 0.00002 and 0.00004; gnomAD 0.00003 and 0.00004; TOPMed 0.00005.
gnomAD v4.1: 33 of 1,614,034 alleles (0.002%); highest among the groups gnomAD compares: Middle Eastern, 0.016%; no homozygotes.

Submissions (2):

Ambry Genetics
Classification: Uncertain significance for Inborn genetic diseases. Last evaluated: 2025-08-31. Review status: criteria provided, single submitter. Criteria: Ambry Variant Classification Scheme 2023. Collection method: clinical testing. Allele origin: germline.

Labcorp Genetics (formerly Invitae), Labcorp
Classification: Uncertain significance. Last evaluated: 2024-04-16. Review status: criteria provided, single submitter. Criteria: Invitae Variant Classification Sherloc (09022015). Collection method: clinical testing. Allele origin: germline.
Comment: This sequence change replaces arginine, which is basic and polar, with tryptophan, which is neutral and slightly polar, at codon 941 of the LRRK1 protein (p.Arg941Trp). This variant is present in population databases (rs747666136, gnomAD 0.01%). This variant has not been reported in the literature in individuals affected with LRRK1-related conditions. ClinVar contains an entry for this variant (Variation ID: 1384810). An algorithm developed to predict the effect of missense changes on protein structure and function (PolyPhen-2) suggests that this variant is likely to be disruptive. In summary, the available evidence is currently insufficient to determine the role of this variant in disease. Therefore, it has been classified as a Variant of Uncertain Significance.

NM_024652.6(LRRK1):c.2821C>T (p.Arg941Trp)

Gene: LRRK1 (leucine rich repeat kinase 1; plus strand). Cytogenetic location: 15q26.3.
Variant type: single nucleotide variant.
Coding change: c.2821C>T on transcript NM_024652.6 (MANE Select); coding-DNA position 2821, C replaced by T.
Protein change: p.Arg941Trp; replaces arginine 941 with tryptophan.
Molecular consequence: missense variant.
Genome position (GRCh38, 1-based): chr15:101,029,090, C>T. VCF-style: chr15-101029090-C-T. GRCh37 (hg19) VCF-style: chr15-101569295-C-T.
Other names: c.2821C>T (NM_024652.3); short protein forms R941W.
Identifiers: ClinVar variation 1384810 (VCV001384810.9), dbSNP rs747666136, ClinGen allele CA7761356.